The following is an entry in ClinVar:

ClinVar aggregate classification (germline): Conflicting classifications of pathogenicity. Review status: criteria provided, conflicting classifications (1 of 4 stars). 17 submissions from 13 submitters: Uncertain significance (5); Benign (6); Likely benign (4). 2 of the submissions do not count toward it. Last evaluated 2026-02-01.

Conditions:
Cardiovascular phenotype. Identifiers: MedGen CN230736.
Dilated cardiomyopathy 1G (CMD1G). Identifiers: Orphanet 154, MedGen C1858763, MONDO:0011400, OMIM 604145.
Autosomal recessive limb-girdle muscular dystrophy type 2J (LGMDR10). Also called: Limb-girdle muscular dystrophy, type 2J; MUSCULAR DYSTROPHY, LIMB-GIRDLE, AUTOSOMAL RECESSIVE 10. Identifiers: Orphanet 140922, MedGen C1837342, MONDO:0012127, OMIM 608807.
Cardiomyopathy (CMYO). Also called: Cardiomyopathies. Identifiers: Orphanet 167848, MedGen C0878544, MONDO:0004994, HP:0001638. Inheritance: Various modes of inheritance.
Tibial muscular dystrophy (TMD). Also called: Udd Distal Myopathy – Tibial Muscular Dystrophy; Tibial muscular dystrophy, tardive; UDD MYOPATHY. Identifiers: Orphanet 609, MedGen C1838244, MONDO:0010870, OMIM 600334.
Myopathy, myofibrillar, 9, with early respiratory failure (MFM9). Also called: EDSTROM MYOPATHY; MYOPATHY, PROXIMAL, WITH EARLY RESPIRATORY MUSCLE INVOLVEMENT; Hereditary myopathy with early respiratory failure; Myopathy, distal, with early respiratory failure, autosomal dominant. Identifiers: Orphanet 178464, Orphanet 34521, MedGen C1863599, MONDO:0011362, OMIM 603689.
Early-onset myopathy with fatal cardiomyopathy (CMYO5). Also called: CONGENITAL MYOPATHY 5 WITH CARDIOMYOPATHY; Salih Myopathy. Identifiers: Orphanet 289377, MedGen C2673677, MONDO:0012714, OMIM 611705. Disease mechanism: loss of function.

Allele frequency attached by ClinVar (database versions not stated): gnomAD 0.00008 and 0.00015; gnomAD exomes 0.00013 and 0.00058; TOPMed 0.00021; ExAC 0.00047; 1000 Genomes Project 0.00060; 1000 Genomes Project 30x 0.00125.
gnomAD v4.1: 202 of 1,612,698 alleles (0.013%); highest among the groups gnomAD compares: East Asian, 0.43%; 1 homozygote.

Submissions (17):

Labcorp Genetics (formerly Invitae), Labcorp
Classification: Benign for Dilated cardiomyopathy 1G; Autosomal recessive limb-girdle muscular dystrophy type 2J. Last evaluated: 2026-02-01. Review status: criteria provided, single submitter. Criteria: Invitae Variant Classification Sherloc (09022015). Collection method: clinical testing. Allele origin: germline.

Mayo Clinic Laboratories, Mayo Clinic
Classification: Likely benign. Last evaluated: 2025-10-03. Review status: criteria provided, single submitter. Criteria: ACMG Guidelines, 2015. Collection method: clinical testing. Allele origin: germline. Observed: 1 variant allele.
Comment: BS1, BP4_moderate

Molecular Diagnostic Laboratory for Inherited Cardiovascular Disease, Montreal Heart Institute
Classification: Likely benign. Last evaluated: 2025-04-09. Review status: criteria provided, single submitter. Criteria: ACMG Guidelines, 2015. Collection method: clinical testing. Allele origin: germline. Affected: no.

Blueprint Genetics
Classification: Likely benign. Last evaluated: 2024-03-07. Review status: criteria provided, single submitter. Criteria: ACMG Guidelines, 2015. Collection method: clinical testing. Allele origin: germline.

CeGaT Center for Human Genetics Tuebingen
Classification: Likely benign. Last evaluated: 2022-08-01. Review status: criteria provided, single submitter. Criteria: CeGaT Center For Human Genetics Tuebingen Variant Classification Criteria Version 2. Collection method: clinical testing. Allele origin: germline. Affected: yes. Observed: 1 variant allele.
Comment: TTN: BP4

CHEO Genetics Diagnostic Laboratory, Children's Hospital of Eastern Ontario
Classification: Benign for Cardiomyopathy. Last evaluated: 2022-03-09. Review status: criteria provided, single submitter. Criteria: ACMG Guidelines, 2015. Collection method: clinical testing. Allele origin: germline. Study: Canadian Open Genetics Repository.

Illumina Laboratory Services, Illumina
Classification: Uncertain significance for Early-onset myopathy with fatal cardiomyopathy. Last evaluated: 2018-01-13. Review status: criteria provided, single submitter. Criteria: ICSL Variant Classification Criteria 13 December 2019. Collection method: clinical testing. Allele origin: germline.

Illumina Laboratory Services, Illumina
Classification: Uncertain significance for Dilated cardiomyopathy 1G. Last evaluated: 2018-01-13. Review status: criteria provided, single submitter. Criteria: ICSL Variant Classification Criteria 13 December 2019. Collection method: clinical testing. Allele origin: germline.

Illumina Laboratory Services, Illumina
Classification: Uncertain significance for Autosomal recessive limb-girdle muscular dystrophy type 2J. Last evaluated: 2018-01-13. Review status: criteria provided, single submitter. Criteria: ICSL Variant Classification Criteria 13 December 2019. Collection method: clinical testing. Allele origin: germline.

Illumina Laboratory Services, Illumina
Classification: Benign for Myopathy, myofibrillar, 9, with early respiratory failure. Last evaluated: 2018-01-13. Review status: criteria provided, single submitter. Criteria: ICSL Variant Classification Criteria 13 December 2019. Collection method: clinical testing. Allele origin: germline.
Comment: This variant was observed in the ICSL laboratory as part of a predisposition screen in an ostensibly healthy population. It had not been previously curated by ICSL or reported in the Human Gene Mutation Database (HGMD: prior to June 1st, 2018), and was therefore a candidate for classification through an automated scoring system. Utilizing variant allele frequency, disease prevalence and penetrance estimates, and inheritance mode, an automated score was calculated to assess if this variant is too frequent to cause the disease. Based on the score and internal cut-off values, a variant classified as benign is not then subjected to further curation. The score for this variant resulted in a classification of benign for this disease.

Illumina Laboratory Services, Illumina
Classification: Benign for Tibial muscular dystrophy. Last evaluated: 2018-01-13. Review status: criteria provided, single submitter. Criteria: ICSL Variant Classification Criteria 13 December 2019. Collection method: clinical testing. Allele origin: germline.
Comment: the same text as in the submission from Illumina Laboratory Services, Illumina above.

GeneDx
Classification: Benign. Last evaluated: 2017-12-27. Review status: criteria provided, single submitter. Criteria: GeneDx Variant Classification (06012015). Collection method: clinical testing. Allele origin: germline. Affected: yes.
Comment: This variant is considered likely benign or benign based on one or more of the following criteria: it is a conservative change, it occurs at a poorly conserved position in the protein, it is predicted to be benign by multiple in silico algorithms, and/or has population frequency not consistent with disease.

Eurofins Ntd Llc (ga)
Classification: Benign. Last evaluated: 2017-11-07. Review status: criteria provided, single submitter. Criteria: EGL Classification Definitions 2015. Collection method: clinical testing. Allele origin: germline. Observed: 1 variant allele, 1 heterozygote.

Biesecker Lab/Clinical Genomics Section, National Institutes of Health
Classification: Uncertain significance. Last evaluated: 2013-06-24. Review status: criteria provided, single submitter. Criteria: Ng et al. (Circ Cardiovasc Genet. 2013). Collection method: research. Allele origin: unknown. Observed: 1 variant allele. Study: ClinSeq.
Comment: The study set was not selected for affection status in relation to any cancer. Pathogenicity categories were based on literature curation. See Pubmed ID:23861362 for details.

Medical sequencing

Ambry Genetics
Classification: Uncertain significance for Cardiovascular phenotype. Last evaluated: 2013-01-30. Review status: criteria provided, single submitter. Criteria: Ambry Autosomal Dominant and X-Linked criteria (10/2015). Collection method: clinical testing. Allele origin: germline. Observed: 1 variant allele.
Comment: There is insufficient or conflicting evidence for classification of this alteration.

Clinical Genetics DNA and cytogenetics Diagnostics Lab, Erasmus MC, Erasmus Medical Center
Classification: Likely benign. Review status: no assertion criteria provided. Collection method: clinical testing. Allele origin: germline. Affected: yes. Study: VKGL Data-share Consensus. Not counted in ClinVar's aggregate classification.

Joint Genome Diagnostic Labs from Nijmegen and Maastricht, Radboudumc and MUMC+
Classification: Likely benign. Review status: no assertion criteria provided. Collection method: clinical testing. Allele origin: germline. Affected: yes. Study: VKGL Data-share Consensus. Not counted in ClinVar's aggregate classification.

NM_001267550.2(TTN):c.34216C>A (p.Pro11406Thr)

Gene: TTN (titin; minus strand). Cytogenetic location: 2q31.2.
Variant type: single nucleotide variant.
Coding change: c.34216C>A on transcript NM_001267550.2 (MANE Select); coding-DNA position 34216, C replaced by A.
Protein change: p.Pro11406Thr; replaces proline 11406 with threonine.
Molecular consequence: missense variant. On other transcripts: intron variant (3).
Genome position (GRCh38, 1-based): chr2:178,677,696, G>T on the plus strand (C>A on the coding strand, the complement: TTN is on the minus strand). VCF-style: chr2-178677696-G-T. GRCh37 (hg19) VCF-style: chr2-179542423-G-T.
Other names: p.Pro10162Thr; c.33265C>A, p.Pro11089Thr (NM_001256850.1); c.30484C>A, p.Pro10162Thr (NM_133378.4); c.13283-35379C>A (NM_003319.4); c.13859-35379C>A (NM_133437.4); c.13658-35379C>A (NM_133432.3); short protein forms P10162T, P11406T, P11089T.
Identifiers: ClinVar variation 191992 (VCV000191992.60), dbSNP rs532102837, ClinGen allele CA238045.